The following is an entry in ClinVar:

NM_004990.4(MARS1):c.2446C>T (p.Arg816Cys)

Gene: MARS1 (methionyl-tRNA synthetase 1; plus strand). Cytogenetic location: 12q13.3.
Variant type: single nucleotide variant.
Coding change: c.2446C>T on transcript NM_004990.4 (MANE Select); coding-DNA position 2446, C replaced by T.
Protein change: p.Arg816Cys; replaces arginine 816 with cysteine.
Molecular consequence: missense variant.
Genome position (GRCh38, 1-based): chr12:57,515,974, C>T. VCF-style: chr12-57515974-C-T. GRCh37 (hg19) VCF-style: chr12-57909757-C-T.
Other names: p.Arg816Cys; c.2446C>T (NM_004990.3); short protein forms R816C.
Identifiers: ClinVar variation 1681796 (VCV001681796.10), dbSNP rs368028253, ClinGen allele CA6650807.

ClinVar aggregate classification (germline): Uncertain significance. Review status: criteria provided, multiple submitters, no conflicts (2 of 4 stars). 3 submissions from 3 submitters: Uncertain significance (3). Last evaluated 2025-03-25.

Conditions:
Severe early-onset pulmonary alveolar proteinosis due to MARS deficiency. Also called: PULMONARY ALVEOLAR PROTEINOSIS, REUNION ISLAND; Interstitial lung and liver disease. Identifiers: Orphanet 440427, MedGen C4225400, MONDO:0014206, OMIM 615486.
Charcot-Marie-Tooth disease axonal type 2U. Also called: CHARCOT-MARIE-TOOTH NEUROPATHY, TYPE 2U; CHARCOT-MARIE-TOOTH DISEASE, AXONAL, AUTOSOMAL DOMINANT, TYPE 2U. Identifiers: Orphanet 397735, MedGen C4084821, MONDO:0014566, OMIM 616280.

Allele frequency attached by ClinVar (database versions not stated): ExAC 0.00002; gnomAD exomes 0.00004; ESP Exome Variant Server 0.00008; TOPMed 0.00009.
gnomAD v4.1: 118 of 1,613,962 alleles (0.0073%); highest among the groups gnomAD compares: African/African-American, 0.028%; no homozygotes.

Submissions (3):

Ambry Genetics
Classification: Uncertain significance. Last evaluated: 2025-03-25. Review status: criteria provided, single submitter. Criteria: Ambry Variant Classification Scheme 2023. Collection method: clinical testing. Allele origin: germline.

Labcorp Genetics (formerly Invitae), Labcorp
Classification: Uncertain significance for Charcot-Marie-Tooth disease axonal type 2U; Severe early-onset pulmonary alveolar proteinosis due to MARS deficiency. Last evaluated: 2024-08-21. Review status: criteria provided, single submitter. Criteria: Invitae Variant Classification Sherloc (09022015). Collection method: clinical testing. Allele origin: germline.
Comment: This sequence change replaces arginine, which is basic and polar, with cysteine, which is neutral and slightly polar, at codon 816 of the MARS protein (p.Arg816Cys). This variant is present in population databases (rs368028253, gnomAD 0.02%). This variant has not been reported in the literature in individuals affected with MARS-related conditions. ClinVar contains an entry for this variant (Variation ID: 1681796). An algorithm developed to predict the effect of missense changes on protein structure and function (PolyPhen-2) suggests that this variant is likely to be tolerated. Algorithms developed to predict the effect of sequence changes on RNA splicing suggest that this variant may disrupt the consensus splice site. In summary, the available evidence is currently insufficient to determine the role of this variant in disease. Therefore, it has been classified as a Variant of Uncertain Significance.

Mayo Clinic Laboratories, Mayo Clinic
Classification: Uncertain significance. Last evaluated: 2023-06-05. Review status: criteria provided, single submitter. Criteria: ACMG Guidelines, 2015. Collection method: clinical testing. Allele origin: germline. Observed: 1 variant allele.
Comment: BP4